The following is an entry in ClinVar:

ClinVar aggregate classification (germline): Likely benign (1 of 4 stars; one submission).

Submission:

CeGaT Center for Human Genetics Tuebingen
Classification: Likely benign. Last evaluated: 2023-01-01. Review status: criteria provided, single submitter. Criteria: CeGaT Center For Human Genetics Tuebingen Variant Classification Criteria Version 2. Collection method: clinical testing. Allele origin: germline. Affected: yes. Observed: 1 variant allele.
Comment: GRTP1: BS2

NM_024719.4(GRTP1):c.466-1295_466-1294del

Gene: GRTP1 (growth hormone regulated TBC protein 1; minus strand). Cytogenetic location: 13q34.
Variant type: Deletion.
Coding change: c.466-1295_466-1294del on transcript NM_024719.4 (MANE Select); 1295 bases into the intron before coding-DNA position 466 through 1294 bases into the intron before coding-DNA position 466, 2 bases deleted (CG; older notation c.466-1295_466-1294delCG).
Molecular consequence: intron variant.
Genome position (GRCh38, 1-based): chr13:113,346,253-113,346,254, CG deleted on the plus strand (CG on the coding strand, the reverse complement: GRTP1 is on the minus strand). VCF-style (leftmost placement, unchanged base first): chr13-113346252-CCG-C. GRCh37 (hg19) VCF-style: chr13-114000567-CCG-C.
Other names: c.466-1295_466-1294del (NM_001286733.1, NM_001286732.2); c.232-1295_232-1294del (NM_001411029.1).
Identifiers: ClinVar variation 2643988 (VCV002643988.24), dbSNP rs1280488963, ClinGen allele CA612715295.